The following is an entry in ClinVar:

ClinVar aggregate classification (germline): Uncertain significance (1 of 4 stars; one submission).

Conditions:
Hereditary motor and sensory neuropathy, Okinawa type (HMSNO). Also called: HEREDITARY MOTOR AND SENSORY NEUROPATHY, PROXIMAL TYPE. Identifiers: Orphanet 90117, MedGen C1858338, MONDO:0011468, OMIM 604484.
Hereditary spastic paraplegia 57. Also called: Spastic paraplegia 57, autosomal recessive. Identifiers: Orphanet 431329, MedGen C3714897, MONDO:0014295, OMIM 615658.

Submission:

Labcorp Genetics (formerly Invitae), Labcorp
Classification: Uncertain significance for Hereditary motor and sensory neuropathy, Okinawa type; Hereditary spastic paraplegia 57. Last evaluated: 2025-08-19. Review status: criteria provided, single submitter. Criteria: Invitae Variant Classification Sherloc (09022015). Collection method: clinical testing. Allele origin: germline.
Comment: This sequence change replaces tyrosine, which is neutral and polar, with cysteine, which is neutral and slightly polar, at codon 253 of the TFG protein (p.Tyr253Cys). This variant is not present in population databases (gnomAD no frequency). This variant has not been reported in the literature in individuals affected with TFG-related conditions. ClinVar contains an entry for this variant (Variation ID: 2930061). Invitae Evidence Modeling of protein sequence and biophysical properties (such as structural, functional, and spatial information, amino acid conservation, physicochemical variation, residue mobility, and thermodynamic stability) indicates that this missense variant is not expected to disrupt TFG protein function with a negative predictive value of 80%. In summary, the available evidence is currently insufficient to determine the role of this variant in disease. Therefore, it has been classified as a Variant of Uncertain Significance.

NM_006070.6(TFG):c.758A>G (p.Tyr253Cys)

Gene: TFG (trafficking from ER to golgi regulator; plus strand). Cytogenetic location: 3q12.2.
Variant type: single nucleotide variant.
Coding change: c.758A>G on transcript NM_006070.6 (MANE Select); coding-DNA position 758, A replaced by G.
Protein change: p.Tyr253Cys; replaces tyrosine 253 with cysteine.
Molecular consequence: missense variant.
Genome position (GRCh38, 1-based): chr3:100,744,869, A>G. VCF-style: chr3-100744869-A-G. GRCh37 (hg19) VCF-style: chr3-100463713-A-G.
Other names: c.758A>G, p.Tyr253Cys (NM_001007565.2, NM_001195478.2); c.746A>G, p.Tyr249Cys (NM_001195479.2); short protein forms Y253C, Y249C.
Identifiers: ClinVar variation 2930061 (VCV002930061.3), dbSNP rs2472138355, ClinGen allele CA353850111.
Genomic context (GRCh38, chr3:100,744,869, plus strand): 5'-GTGTGTGTGTGTGTGTGTTTTCAGGTCAGATGTACCAACAGTACCAGCAACAGGCCGGCT[A>G]TGGTGCACAGCAGCCGCAGGCTCCACCTCAGCAGCCTCAACAGTATGGTATTCAGTATTC-3'
Protein context (NP_006061.2, residues 243-263): MYQQYQQQAG[Tyr253Cys]GAQQPQAPPQ